The following is an entry in ClinVar:

NM_018230.3(NUP133):c.953A>G (p.Glu318Gly)

Gene: NUP133 (nucleoporin 133; minus strand). Cytogenetic location: 1q42.13.
Variant type: single nucleotide variant.
Coding change: c.953A>G on transcript NM_018230.3 (MANE Select); coding-DNA position 953, A replaced by G.
Protein change: p.Glu318Gly; replaces glutamic acid 318 with glycine.
Molecular consequence: missense variant.
Genome position (GRCh38, 1-based): chr1:229,495,914, T>C on the plus strand (A>G on the coding strand, the complement: NUP133 is on the minus strand). VCF-style: chr1-229495914-T-C. GRCh37 (hg19) VCF-style: chr1-229631661-T-C.
Other names: short protein forms E318G.
Identifiers: ClinVar variation 4780363 (VCV004780363.1).

ClinVar aggregate classification (germline): Uncertain significance (1 of 4 stars; one submission).

gnomAD v4.1: 5 of 1,597,412 alleles (0.00031%); highest among the groups gnomAD compares: Admixed American, 0.0054%; no homozygotes.

Submission:

Labcorp Genetics (formerly Invitae), Labcorp
Classification: Uncertain significance. Last evaluated: 2025-02-27. Review status: criteria provided, single submitter. Criteria: Invitae Variant Classification Sherloc (09022015). Collection method: clinical testing. Allele origin: germline.
Comment: This sequence change replaces glutamic acid, which is acidic and polar, with glycine, which is neutral and non-polar, at codon 318 of the NUP133 protein (p.Glu318Gly). This variant is present in population databases (no rsID available, gnomAD 0.003%). This variant has not been reported in the literature in individuals affected with NUP133-related conditions. An algorithm developed to predict the effect of missense changes on protein structure and function (PolyPhen-2) suggests that this variant is likely to be tolerated. In summary, the available evidence is currently insufficient to determine the role of this variant in disease. Therefore, it has been classified as a Variant of Uncertain Significance.